The following is an entry in ClinVar:

NM_002693.3(POLG):c.13C>T (p.Leu5Phe)

Genes: POLG (DNA polymerase gamma, catalytic subunit; minus strand), POLGARF (POLG alternative reading frame; minus strand). Cytogenetic location: 15q26.1.
Variant type: single nucleotide variant.
Coding change: c.13C>T on transcript NM_002693.3 (MANE Select); coding-DNA position 13, C replaced by T.
Protein change: p.Leu5Phe; replaces leucine 5 with phenylalanine.
Molecular consequence: missense variant.
Genome position (GRCh38, 1-based): chr15:89,333,742, G>A on the plus strand (C>T on the coding strand, the complement: POLG is on the minus strand). VCF-style: chr15-89333742-G-A. GRCh37 (hg19) VCF-style: chr15-89876973-G-A.
Other names: c.13C>T, p.Leu5Phe (NM_001126131.2); short protein forms L5F.
Identifiers: ClinVar variation 522778 (VCV000522778.6), dbSNP rs761648850, ClinGen allele CA7725215.

ClinVar aggregate classification (germline): Uncertain significance. Review status: criteria provided, multiple submitters, no conflicts (2 of 4 stars). 2 submissions from 2 submitters: Uncertain significance (2). Last evaluated 2024-03-03.

Conditions:
Mitochondrial DNA depletion syndrome 4b. Also called: Mitochondrial Neurogastrointestinal Encephalopathy Disease, POLG-Related; MNGIE, POLG-RELATED. Identifiers: Orphanet 298, MedGen C3150914, MONDO:0013350, OMIM 613662.
Progressive sclerosing poliodystrophy (MTDPS4A). Also called: Alpers-Huttenlocher Syndrome (AHS); ALPERS PROGRESSIVE INFANTILE POLIODYSTROPHY; Mitochondrial DNA Depletion Syndrome 4A; Mitochondrial DNA depletion syndrome 4A (Alpers type); NEURONAL DEGENERATION OF CHILDHOOD WITH LIVER DISEASE, PROGRESSIVE; Alpers Syndrome. Identifiers: Orphanet 726, MedGen C0205710, MONDO:0008758, OMIM 203700.

Allele frequency attached by ClinVar (database versions not stated): gnomAD exomes 0.00001; ExAC 0.00009.
gnomAD v4.1: 4 of 1,535,444 alleles (0.00026%); highest among the groups gnomAD compares: South Asian, 0.0048%; no homozygotes.

Submissions (2):

Labcorp Genetics (formerly Invitae), Labcorp
Classification: Uncertain significance for Progressive sclerosing poliodystrophy. Last evaluated: 2024-03-03. Review status: criteria provided, single submitter. Criteria: Invitae Variant Classification Sherloc (09022015). Collection method: clinical testing. Allele origin: germline.
Comment: This sequence change replaces leucine, which is neutral and non-polar, with phenylalanine, which is neutral and non-polar, at codon 5 of the POLG protein (p.Leu5Phe). The frequency data for this variant in the population databases is considered unreliable, as metrics indicate poor data quality at this position in the gnomAD database. This variant has not been reported in the literature in individuals affected with POLG-related conditions. ClinVar contains an entry for this variant (Variation ID: 522778). Advanced modeling of protein sequence and biophysical properties (such as structural, functional, and spatial information, amino acid conservation, physicochemical variation, residue mobility, and thermodynamic stability) performed at Invitae indicates that this missense variant is not expected to disrupt POLG protein function with a negative predictive value of 95%. In summary, the available evidence is currently insufficient to determine the role of this variant in disease. Therefore, it has been classified as a Variant of Uncertain Significance.

Genomic Research Center, Shahid Beheshti University of Medical Sciences
Classification: Uncertain significance for Mitochondrial DNA depletion syndrome 4b. Last evaluated: 2017-12-03. Review status: criteria provided, single submitter. Criteria: ACMG Guidelines, 2015. Collection method: clinical testing. Allele origin: inherited. Affected: yes.